The following is an entry in ClinVar:

ClinVar aggregate classification (germline): Pathogenic (0 of 4 stars; one submission).

Conditions:
CTNND1-related disorder. Also called: CTNND1-related condition.

Submission:

PreventionGenetics, part of Exact Sciences
Classification: Pathogenic for CTNND1-related condition. Last evaluated: 2024-06-10. Review status: no assertion criteria provided. Collection method: clinical testing. Allele origin: germline.
Comment: The CTNND1 c.1702C>T variant is predicted to result in premature protein termination (p.Gln568*). To our knowledge, this variant has not been reported in the literature or in a large population database, indicating this variant is rare. Nonsense variants in CTNND1 are expected to be pathogenic. This variant is interpreted as pathogenic.

NM_001085458.2(CTNND1):c.1702C>T (p.Gln568Ter)

Genes: CTNND1 (catenin delta 1; plus strand), TMX2-CTNND1 (TMX2-CTNND1 readthrough (NMD candidate); plus strand). Cytogenetic location: 11q12.1.
Variant type: single nucleotide variant.
Coding change: c.1702C>T on transcript NM_001085458.2 (MANE Select); coding-DNA position 1702, C replaced by T.
Protein change: p.Gln568Ter; replaces glutamine 568 with a stop codon.
Molecular consequence: nonsense. On other transcripts: non-coding transcript variant (1).
Genome position (GRCh38, 1-based): chr11:57,804,760, C>T. VCF-style: chr11-57804760-C-T. GRCh37 (hg19) VCF-style: chr11-57572232-C-T.
Other names: c.1702C>T, p.Gln568Ter (NM_001085459.2, NM_001085460.2, NM_001085461.2 and 3 more transcripts); c.1399C>T, p.Gln467Ter (NM_001085463.2, NM_001085464.2, NM_001085465.2 and 5 more transcripts); c.1540C>T, p.Gln514Ter (NM_001206883.2, NM_001206884.2, NM_001206886.2 and 4 more transcripts); short protein forms Q467*, Q514*, Q568*.
Identifiers: ClinVar variation 3347102 (VCV003347102.1).
Genomic context (GRCh38, chr11:57,804,760, plus strand): 5'-CTTCGGGAATGTGATGGTTTAGTTGATGCCCTCATTTTCATTGTTCAGGCTGAGATTGGG[C>T]AGAAGGATTCAGACAGCAAGGTAAGTGCTGTCTTACCTTTAATGGCTGAGTGAATTTCAT-3'